The following is an entry in ClinVar:

ClinVar aggregate classification (germline): Uncertain significance (1 of 4 stars; one submission).

Submission:

GeneDx
Classification: Uncertain significance. Last evaluated: 2024-02-13. Review status: criteria provided, single submitter. Criteria: GeneDx Variant Classification Process June 2021. Collection method: clinical testing. Allele origin: germline. Affected: yes.
Comment: Frameshift variant predicted to result in protein truncation or nonsense mediated decay in a gene for which loss-of-function is not a known mechanism of disease; Not observed at significant frequency in large population cohorts (gnomAD); Has not been previously published as pathogenic or benign to our knowledge

NM_014915.3(ANKRD26):c.4891_4892del (p.Leu1631fs)

Gene: ANKRD26 (ankyrin repeat domain containing 26; minus strand). Cytogenetic location: 10p12.1.
Variant type: Deletion.
Coding change: c.4891_4892del on transcript NM_014915.3 (MANE Select); coding-DNA positions 4891 to 4892, 2 bases deleted (TT; older notation c.4891_4892delTT).
Protein change: p.Leu1631fs; shifts the reading frame from leucine 1631.
Molecular consequence: frameshift variant.
Genome position (GRCh38, 1-based): chr10:27,012,943-27,012,944, AA deleted on the plus strand (TT on the coding strand, the reverse complement: ANKRD26 is on the minus strand). VCF-style (leftmost placement, unchanged base first): chr10-27012942-TAA-T. GRCh37 (hg19) VCF-style: chr10-27301871-TAA-T.
Other names: c.4888_4889del, p.Leu1630fs (NM_001256053.2); c.4891_4892delTT, p.Leu1631Serfs (NM_014915.2); short protein forms L1630fs, L1631fs.
Identifiers: ClinVar variation 3368860 (VCV003368860.1).